The following is an entry in ClinVar:

NM_006852.6(TLK2):c.416C>T (p.Ala139Val)

Gene: TLK2 (tousled like kinase 2; plus strand). Cytogenetic location: 17q23.2.
Variant type: single nucleotide variant.
Coding change: c.416C>T on transcript NM_006852.6 (MANE Select); coding-DNA position 416, C replaced by T.
Protein change: p.Ala139Val; replaces alanine 139 with valine.
Molecular consequence: missense variant. On other transcripts: 5 prime UTR variant (2).
Genome position (GRCh38, 1-based): chr17:62,536,222, C>T. VCF-style: chr17-62536222-C-T. GRCh37 (hg19) VCF-style: chr17-60613583-C-T.
Other names: c.416C>T, p.Ala139Val (NM_001284333.3, NM_001375270.1, NM_001375271.1); c.320C>T, p.Ala107Val (NM_001284363.1, NM_001375272.1, NM_001411074.1); c.-32C>T (NM_001330418.3, NM_001375273.1); c.458C>T, p.Ala153Val (NM_001375269.1); short protein forms A107V, A139V, A153V.
Identifiers: ClinVar variation 2431506 (VCV002431506.2), dbSNP rs2545298821, ClinGen allele CA400517696.
Genomic context (GRCh38, chr17:62,536,222, plus strand): 5'-TTTTCCAGCGACGAGTAGAACAGCCCCTCTATGGTTTAGATGGCAGTGCTGCAAAGGAGG[C>T]AACGGAGGAGCAGTCTGCTCTGCCAACCCTCATGTCAGTGATGCTAGCAAAACCTCGGCT-3'
Protein context (NP_006843.2, residues 129-149): YGLDGSAAKE[Ala139Val]TEEQSALPTL

ClinVar aggregate classification (germline): Uncertain significance (1 of 4 stars; one submission).

Conditions:
Intellectual developmental disorder, autosomal dominant 57. Also called: MENTAL RETARDATION, AUTOSOMAL DOMINANT 57; Intellectual disability, autosomal dominant 57. Identifiers: MedGen C4748003, MONDO:0054837, OMIM 618050.

Submission:

Laboratorio de Genetica e Diagnostico Molecular, Hospital Israelita Albert Einstein
Classification: Uncertain significance for Intellectual developmental disorder, autosomal dominant 57. Last evaluated: 2022-06-15. Review status: criteria provided, single submitter. Criteria: ACMG Guidelines, 2015. Collection method: clinical testing. Allele origin: germline. Affected: yes.
Comment: ACMG classification criteria: PM2 moderated, BP4 supporting